The following is an entry in ClinVar:

ClinVar aggregate classification (germline): Likely benign (0 of 4 stars; one submission).

Conditions:
RAC3-related disorder. Also called: RAC3-related condition.

Allele frequency attached by ClinVar (database versions not stated): TOPMed 0.00043; gnomAD exomes 0.00090; ESP Exome Variant Server 0.00101; ExAC 0.00113; 1000 Genomes Project 0.00120; 1000 Genomes Project 30x 0.00125.
gnomAD v4.1: 1,359 of 1,588,564 alleles (0.086%); highest among the groups gnomAD compares: South Asian, 0.11%; 5 homozygotes.

Submission:

PreventionGenetics, part of Exact Sciences
Classification: Likely benign for RAC3-related condition. Last evaluated: 2024-05-15. Review status: no assertion criteria provided. Collection method: clinical testing. Allele origin: germline.
Comment: This variant is classified as likely benign based on ACMG/AMP sequence variant interpretation guidelines (Richards et al. 2015 PMID: 25741868, with internal and published modifications).

NM_005052.3(RAC3):c.*3C>G

Gene: RAC3 (Rac family small GTPase 3; plus strand). Cytogenetic location: 17q25.3.
Variant type: single nucleotide variant.
Coding change: c.*3C>G on transcript NM_005052.3 (MANE Select); 3 bases downstream of the stop codon, C replaced by G.
Molecular consequence: 3 prime UTR variant.
Genome position (GRCh38, 1-based): chr17:82,033,832, C>G. VCF-style: chr17-82033832-C-G. GRCh37 (hg19) VCF-style: chr17-79991708-C-G.
Other names: c.*73C>G (NM_001316307.2).
Identifiers: ClinVar variation 3046318 (VCV003046318.2), dbSNP rs370664335, ClinGen allele CA8848492.